The following is an entry in ClinVar:

NM_000289.6(PFKM):c.1181del (p.Pro394fs)

Gene: PFKM (phosphofructokinase, muscle; plus strand). Cytogenetic location: 12q13.11.
Variant type: Deletion.
Coding change: c.1181del on transcript NM_000289.6 (MANE Select); coding-DNA position 1181, one base deleted (C; older notation c.1181delC).
Protein change: p.Pro394fs; shifts the reading frame from proline 394.
Molecular consequence: frameshift variant. On other transcripts: non-coding transcript variant (6).
Genome position (GRCh38, 1-based): chr12:48,139,902, C deleted; the last of 5 consecutive C bases (chr12:48,139,898-48,139,902); deleting any one gives the same sequence. VCF-style (leftmost placement, unchanged base first): chr12-48139897-AC-A. GRCh37 (hg19) VCF-style: chr12-48533680-AC-A.
Other names: c.1394del, p.Pro465fs (NM_001166686.2, NM_001354737.1, NM_001354738.1 and 1 more transcripts); c.1181del, p.Pro394fs (NM_001166687.2, NM_001166688.2, NM_001354742.2 and 2 more transcripts); c.1490del, p.Pro497fs (NM_001354735.1, NM_001354736.1); c.1325del, p.Pro442fs (NM_001354740.1); c.1205del, p.Pro402fs (NM_001354741.2); c.1094del, p.Pro365fs (NM_001354745.2); c.1055del, p.Pro352fs (NM_001354746.2); c.1031del, p.Pro344fs (NM_001354747.2, NM_001354748.2); and 2 more; short protein forms P344fs, P352fs, P363fs, P365fs, P394fs, P402fs, P434fs, P442fs.
Identifiers: ClinVar variation 5013087 (VCV005013087.1).

ClinVar aggregate classification (germline): Pathogenic (1 of 4 stars; one submission).

Conditions:
Glycogen storage disease, type VII (GSD7). Also called: GSD VII; MUSCLE PHOSPHOFRUCTOKINASE DEFICIENCY; PFKM DEFICIENCY; TARUI DISEASE. Identifiers: Orphanet 371, MedGen C0017926, MONDO:0009295, OMIM 232800.

Submission:

Myriad Genetics, Inc.
Classification: Pathogenic for Glycogen storage disease, type VII. Last evaluated: 2024-05-22. Review status: criteria provided, single submitter. Criteria: Myriad Autosomal Dominant, Autosomal Recessive and X-Linked Classification Criteria (2023). Collection method: clinical testing. Allele origin: unknown.
Comment: NM_001166686.1(PFKM):c.1394delC(P465Rfs*12) is expected to be pathogenic in the context of glycogen storage disease, PFKM-related. This variant is predicted to lead to an abnormal or absent protein product due to the creation of a premature termination codon in PFKM, a gene where loss-of-function variants are known to be pathogenic. Please note: this variant was assessed in the context of healthy population screening.